The following is an entry in ClinVar:

NM_000699.4(AMY2A):c.1257G>A (p.Gln419=)

Gene: AMY2A (amylase alpha 2A; plus strand). Cytogenetic location: 1p21.1.
Variant type: single nucleotide variant.
Coding change: c.1257G>A on transcript NM_000699.4 (MANE Select); coding-DNA position 1257, G replaced by A.
Protein change: p.Gln419=; no amino-acid change (glutamine 419 retained).
Molecular consequence: synonymous variant.
Genome position (GRCh38, 1-based): chr1:103,624,132, G>A. VCF-style: chr1-103624132-G-A. GRCh37 (hg19) VCF-style: chr1-104166754-G-A.
Identifiers: ClinVar variation 4085627 (VCV004085627.8).

ClinVar aggregate classification (germline): Likely benign (1 of 4 stars; one submission).

Submission:

CeGaT Center for Human Genetics Tuebingen
Classification: Likely benign. Last evaluated: 2025-07-01. Review status: criteria provided, single submitter. Criteria: CeGaT Center For Human Genetics Tuebingen Variant Classification Criteria Version 2. Collection method: clinical testing. Allele origin: germline. Affected: yes. Observed: 1 variant allele.
Comment: AMY2A: BP4, BP7